The following is an entry in ClinVar:

ClinVar aggregate classification (germline): Uncertain significance (1 of 4 stars; one submission).

Submission:

GeneDx
Classification: Uncertain significance. Last evaluated: 2025-06-05. Review status: criteria provided, single submitter. Criteria: GeneDx Variant Classification Process June 2021. Collection method: clinical testing. Allele origin: germline. Affected: yes.
Comment: Not observed at significant frequency in large population cohorts (gnomAD); In silico analysis supports that this missense variant has a deleterious effect on protein structure/function; Has not been previously published as pathogenic or benign to our knowledge

NM_001394062.1(MACF1):c.17307A>C (p.Glu5769Asp)

Gene: MACF1 (microtubule actin crosslinking factor 1; plus strand). Cytogenetic location: 1p34.3.
Variant type: single nucleotide variant.
Coding change: c.17307A>C on transcript NM_001394062.1 (MANE Select); coding-DNA position 17307, A replaced by C.
Protein change: p.Glu5769Asp; replaces glutamic acid 5769 with aspartic acid.
Molecular consequence: missense variant.
Genome position (GRCh38, 1-based): chr1:39,430,878, A>C. VCF-style: chr1-39430878-A-C. GRCh37 (hg19) VCF-style: chr1-39896550-A-C.
Other names: c.5376A>C, p.Glu1792Asp (NM_001397473.1); c.11121A>C, p.Glu3707Asp (NM_012090.5); short protein forms E1792D, E3707D, E5769D.
Identifiers: ClinVar variation 4536587 (VCV004536587.1).
Genomic context (GRCh38, chr1:39,430,878, plus strand): 5'-GTCCGATGCTAACGAGCAGTACAAACTAGTCAGTGACACTATTGGACAAAGGGTGGATGA[A>C]ATTGATGCTGCTATTCAGAGATCACAACAGGTAATGCTTATAATACCTCTGCATTAATAT-3'
Protein context (NP_001380991.1, residues 5759-5779): VSDTIGQRVD[Glu5769Asp]IDAAIQRSQQ